The following is an entry in ClinVar:

NM_178012.5(TUBB2B):c.518C>G (p.Pro173Arg)

Gene: TUBB2B (tubulin beta 2B class IIb; minus strand). Cytogenetic location: 6p25.2.
Variant type: single nucleotide variant.
Coding change: c.518C>G on transcript NM_178012.5 (MANE Select); coding-DNA position 518, C replaced by G.
Protein change: p.Pro173Arg; replaces proline 173 with arginine.
Molecular consequence: missense variant.
Genome position (GRCh38, 1-based): chr6:3,225,571, G>C on the plus strand (C>G on the coding strand, the complement: TUBB2B is on the minus strand). VCF-style: chr6-3225571-G-C. GRCh37 (hg19) VCF-style: chr6-3225805-G-C.
Other names: c.518C>G (NM_178012.4); short protein forms P173R.
Identifiers: ClinVar variation 1676461 (VCV001676461.4), dbSNP rs2113819240, ClinGen allele CA362588220.

ClinVar aggregate classification (germline): Pathogenic/Likely pathogenic. Review status: criteria provided, multiple submitters, no conflicts (2 of 4 stars). 2 submissions from 2 submitters: Pathogenic (1); Likely pathogenic (1). Last evaluated 2024-02-22.

Conditions:
Complex cortical dysplasia with other brain malformations 7. Identifiers: Orphanet 300573, MedGen C3552236, MONDO:0012399, OMIM 610031.

Submissions (2):

GeneDx
Classification: Pathogenic. Last evaluated: 2024-02-22. Review status: criteria provided, single submitter. Criteria: GeneDx Variant Classification Process June 2021. Collection method: clinical testing. Allele origin: germline. Affected: yes.
Comment: Not observed at significant frequency in large population cohorts (gnomAD); Missense variants in this gene are a common cause of disease and they are underrepresented in the general population; In silico analysis supports that this missense variant has a deleterious effect on protein structure/function; Has not been previously published as pathogenic or benign to our knowledge; This variant is associated with the following publications: (PMID: 24860126)

Greenwood Genetic Center Diagnostic Laboratories, Greenwood Genetic Center
Classification: Likely pathogenic for Complex cortical dysplasia with other brain malformations 7. Last evaluated: 2022-03-02. Review status: criteria provided, single submitter. Criteria: ACMG Guidelines, 2015. Collection method: clinical testing. Allele origin: germline. Affected: yes.
Comment: PS2, PM2, PM5_Supporting, PP2, PP3